The following is an entry in ClinVar:

NM_001194.4(HCN2):c.520G>T (p.Gly174Cys)

Gene: HCN2 (hyperpolarization activated cyclic nucleotide gated potassium and sodium channel 2; plus strand). Cytogenetic location: 19p13.3.
Variant type: single nucleotide variant.
Coding change: c.520G>T on transcript NM_001194.4 (MANE Select); coding-DNA position 520, G replaced by T.
Protein change: p.Gly174Cys; replaces glycine 174 with cysteine.
Molecular consequence: missense variant.
Genome position (GRCh38, 1-based): chr19:590,465, G>T. VCF-style: chr19-590465-G-T. GRCh37 (hg19) VCF-style: chr19-590465-G-T.
Other names: short protein forms G174C.
Identifiers: ClinVar variation 3367280 (VCV003367280.1).

ClinVar aggregate classification (germline): Uncertain significance (1 of 4 stars; one submission).

Submission:

GeneDx
Classification: Uncertain significance. Last evaluated: 2023-12-28. Review status: criteria provided, single submitter. Criteria: GeneDx Variant Classification Process June 2021. Collection method: clinical testing. Allele origin: germline. Affected: yes.
Comment: Has not been previously published as pathogenic or benign to our knowledge; Not observed at significant frequency in large population cohorts (gnomAD); In silico analysis supports that this missense variant has a deleterious effect on protein structure/function